The following is an entry in ClinVar:

NM_138691.3(TMC1):c.775T>G (p.Tyr259Asp)

Gene: TMC1 (transmembrane channel like 1; plus strand). Cytogenetic location: 9q21.13.
Variant type: single nucleotide variant.
Coding change: c.775T>G on transcript NM_138691.3 (MANE Select); coding-DNA position 775, T replaced by G.
Protein change: p.Tyr259Asp; replaces tyrosine 259 with aspartic acid.
Molecular consequence: missense variant.
Genome position (GRCh38, 1-based): chr9:72,772,446, T>G. VCF-style: chr9-72772446-T-G. GRCh37 (hg19) VCF-style: chr9-75387362-T-G.
Other names: short protein forms Y259D.
Identifiers: ClinVar variation 3392601 (VCV003392601.1).
Genomic context (GRCh38, chr9:72,772,446, plus strand): 5'-CTAAGTGGCTTTGTTGTTGGATTTCAGGGTTTGGCACAATATTCCGTTCTCTTTTATGGC[T>G]ATTATGACAATAAACGAACAATTGGATGGATGAATTTCAGGTTGCCGCTCTCCTATTTTC-3'
Protein context (NP_619636.2, residues 249-269): LAQYSVLFYG[Tyr259Asp]YDNKRTIGWM

ClinVar aggregate classification (germline): Uncertain significance (1 of 4 stars; one submission).

Submission:

GeneDx
Classification: Uncertain significance. Last evaluated: 2024-06-26. Review status: criteria provided, single submitter. Criteria: GeneDx Variant Classification Process June 2021. Collection method: clinical testing. Allele origin: germline. Affected: yes.
Comment: In silico analysis supports that this missense variant has a deleterious effect on protein structure/function; Not observed at significant frequency in large population cohorts (gnomAD); Has not been previously published as pathogenic or benign to our knowledge